The following is an entry in ClinVar:

ClinVar aggregate classification (germline): Uncertain significance. Review status: criteria provided, multiple submitters, no conflicts (2 of 4 stars). 8 submissions from 8 submitters: Uncertain significance (8). Last evaluated 2026-09-10.

Conditions:
Hereditary cancer-predisposing syndrome. Also called: Neoplastic Syndromes, Hereditary; Hereditary Cancer Syndrome; Tumor predisposition; Hereditary neoplastic syndrome. Identifiers: Orphanet 140162, MedGen C0027672, MeSH D009386, MONDO:0015356.
Breast-ovarian cancer, familial, susceptibility to, 4. Identifiers: Orphanet 145, MedGen C3280345, MONDO:0013669, OMIM 614291.
Hereditary breast ovarian cancer syndrome. Also called: Hereditary breast and/or ovarian cancer syndrome; Hereditary breast and ovarian cancer syndrome (HBOC); Hereditary breast and ovarian cancer; Hereditary breast and ovarian cancer syndrome; Breast and ovarian cancer; BRCA1- and BRCA2-Associated Hereditary Breast and Ovarian Cancer. Identifiers: Orphanet 145, MedGen C0677776, MeSH D061325, MONDO:0003582. Disease mechanism: loss of function.

Allele frequency attached by ClinVar (database versions not stated): gnomAD exomes below 0.00001 and 0.00001; TOPMed below 0.00001; ExAC 0.00001.
gnomAD v4.1: 18 of 1,614,128 alleles (0.0011%); highest among the groups gnomAD compares: Non-Finnish European, 0.0015%; no homozygotes.

Submissions (8):

Ambry Genetics
Classification: Uncertain significance for Hereditary cancer-predisposing syndrome. Last evaluated: 2026-09-10. Review status: criteria provided, single submitter. Criteria: Ambry Variant Classification Scheme 2023. Collection method: clinical testing. Allele origin: germline.

Labcorp Genetics (formerly Invitae), Labcorp
Classification: Uncertain significance for Breast-ovarian cancer, familial, susceptibility to, 4. Last evaluated: 2025-09-28. Review status: criteria provided, single submitter. Criteria: Invitae Variant Classification Sherloc (09022015). Collection method: clinical testing. Allele origin: germline.
Comment: This sequence change replaces leucine, which is neutral and non-polar, with proline, which is neutral and non-polar, at codon 141 of the RAD51D protein (p.Leu141Pro). This variant is present in population databases (rs780938875, gnomAD 0.0009%). This missense change has been observed in individual(s) with ovarian cancer (PMID: 34326862). ClinVar contains an entry for this variant (Variation ID: 186683). Invitae Evidence Modeling of protein sequence and biophysical properties (such as structural, functional, and spatial information, amino acid conservation, physicochemical variation, residue mobility, and thermodynamic stability) indicates that this missense variant is not expected to disrupt RAD51D protein function with a negative predictive value of 80%. In summary, the available evidence is currently insufficient to determine the role of this variant in disease. Therefore, it has been classified as a Variant of Uncertain Significance.

Center for Genomic Medicine, Rigshospitalet, Copenhagen University Hospital
Classification: Uncertain significance. Last evaluated: 2025-03-04. Review status: criteria provided, single submitter. Criteria: ACMG Guidelines, 2015. Collection method: clinical testing. Allele origin: germline.

Blueprint Genetics
Classification: Uncertain significance. Last evaluated: 2024-10-02. Review status: criteria provided, single submitter. Criteria: ACMG Guidelines, 2015. Collection method: clinical testing. Allele origin: germline.

Color Diagnostics, LLC DBA Color Health
Classification: Uncertain significance for Hereditary cancer-predisposing syndrome. Last evaluated: 2024-03-06. Review status: criteria provided, single submitter. Criteria: ACMG Guidelines, 2015. Collection method: clinical testing. Allele origin: germline.
Comment: This missense variant replaces leucine with proline at codon 141 of the RAD51D protein. Computational prediction suggests that this variant may not impact protein structure and function (internally defined REVEL score threshold <= 0.5, PMID: 27666373). To our knowledge, functional studies have not been reported for this variant. This variant has not been reported in individuals affected with hereditary cancer in the literature. This variant has been identified in 1/251470 chromosomes in the general population by the Genome Aggregation Database (gnomAD). The available evidence is insufficient to determine the role of this variant in disease conclusively. Therefore, this variant is classified as a Variant of Uncertain Significance.

GeneDx
Classification: Uncertain significance. Last evaluated: 2024-03-05. Review status: criteria provided, single submitter. Criteria: GeneDx Variant Classification Process June 2021. Collection method: clinical testing. Allele origin: germline. Affected: yes.
Comment: Not observed at significant frequency in large population cohorts (gnomAD); In silico analysis supports that this missense variant has a deleterious effect on protein structure/function; Observed in a patient with ovarian cancer (PMID: 34326862); This variant is associated with the following publications: (PMID: 21111057, 14704354, 19327148, 32429029, 34326862)

Baylor Genetics
Classification: Uncertain significance for Breast-ovarian cancer, familial, susceptibility to, 4. Last evaluated: 2024-03-04. Review status: criteria provided, single submitter. Criteria: ACMG Guidelines, 2015. Collection method: clinical testing. Allele origin: unknown.

Department of Pathology and Laboratory Medicine, Sinai Health System
Classification: Uncertain significance for Hereditary breast ovarian cancer syndrome. Last evaluated: 2023-05-30. Review status: criteria provided, single submitter. Criteria: ACMG Guidelines, 2015. Collection method: clinical testing. Allele origin: germline. Affected: yes.

Literature cited by the submitters: PubMed 34326862 (cited by Labcorp Genetics (formerly Invitae), Labcorp).

NM_002878.4(RAD51D):c.422T>C (p.Leu141Pro)

Genes: RAD51D (RAD51 paralog D; minus strand), RAD51L3-RFFL (RAD51L3-RFFL readthrough; minus strand). Cytogenetic location: 17q12.
Variant type: single nucleotide variant.
Coding change: c.422T>C on transcript NM_002878.4 (MANE Select); coding-DNA position 422, T replaced by C.
Protein change: p.Leu141Pro; replaces leucine 141 with proline.
Molecular consequence: missense variant. On other transcripts: non-coding transcript variant (1), intron variant (1).
Genome position (GRCh38, 1-based): chr17:35,107,046, A>G on the plus strand (T>C on the coding strand, the complement: RAD51D is on the minus strand). VCF-style: chr17-35107046-A-G. GRCh37 (hg19) VCF-style: chr17-33434065-A-G.
Other names: c.482T>C, p.Leu161Pro (NM_001142571.2); c.145-565T>C (NM_133629.3); short protein forms L141P, L161P.
Identifiers: ClinVar variation 186683 (VCV000186683.32), dbSNP rs780938875, ClinGen allele CA195558.
Genomic context (GRCh38, chr17:35,107,046, plus strand): 5'-ACCTGTTCCTCCTCATCCTGGGTTTTAGCCTGAAGCAGCTGGAGGAGGCGGGAAGCTGTC[A>G]GCCCTCCATTGGAATCTACATATAGGACGTTTTGCTGCAGGCCATGGGCCACATTTGCTG-3'
Protein context (NP_002869.3, residues 131-151): NVLYVDSNGG[Leu141Pro]TASRLLQLLQ